The following is an entry in ClinVar:

ClinVar aggregate classification (germline): Uncertain significance. Review status: criteria provided, multiple submitters, no conflicts (2 of 4 stars). 2 submissions from 2 submitters: Uncertain significance (2). Last evaluated 2022-09-27.

Conditions:
Hypotonia, infantile, with psychomotor retardation and characteristic facies 2 (IHPRF2). Also called: UNC80 Deficiency. Identifiers: Orphanet 371364, Orphanet 700333, MedGen C4225203, MONDO:0014777, OMIM 616801.

Allele frequency attached by ClinVar (database versions not stated): gnomAD exomes below 0.00001 and 0.00001; gnomAD 0.00001.
gnomAD v4.1: 7 of 1,551,606 alleles (0.00045%); highest among the groups gnomAD compares: African/African-American, 0.0055%; no homozygotes.

Submissions (2):

Labcorp Genetics (formerly Invitae), Labcorp
Classification: Uncertain significance. Last evaluated: 2022-09-27. Review status: criteria provided, single submitter. Criteria: Invitae Variant Classification Sherloc (09022015). Collection method: clinical testing. Allele origin: germline.
Comment: This sequence change replaces glycine, which is neutral and non-polar, with glutamic acid, which is acidic and polar, at codon 738 of the UNC80 protein (p.Gly738Glu). This variant is not present in population databases (gnomAD no frequency). This variant has not been reported in the literature in individuals affected with UNC80-related conditions. ClinVar contains an entry for this variant (Variation ID: 1028450). Algorithms developed to predict the effect of missense changes on protein structure and function are either unavailable or do not agree on the potential impact of this missense change (SIFT: "Not Available"; PolyPhen-2: "Possibly Damaging"; Align-GVGD: "Not Available"). In summary, the available evidence is currently insufficient to determine the role of this variant in disease. Therefore, it has been classified as a Variant of Uncertain Significance.

Baylor Genetics
Classification: Uncertain significance for Hypotonia, infantile, with psychomotor retardation and characteristic facies 2. Last evaluated: 2020-02-04. Review status: criteria provided, single submitter. Criteria: ACMG Guidelines, 2015. Collection method: clinical testing. Allele origin: unknown. Affected: yes.
Comment: This variant was determined to be of uncertain significance according to ACMG Guidelines, 2015 [PMID:25741868].

NM_001371986.1(UNC80):c.2213G>A (p.Gly738Glu)

Gene: UNC80 (unc-80 subunit of NALCN channel complex; plus strand). Cytogenetic location: 2q34.
Variant type: single nucleotide variant.
Coding change: c.2213G>A on transcript NM_001371986.1 (MANE Select); coding-DNA position 2213, G replaced by A.
Protein change: p.Gly738Glu; replaces glycine 738 with glutamic acid.
Molecular consequence: missense variant.
Genome position (GRCh38, 1-based): chr2:209,820,561, G>A. VCF-style: chr2-209820561-G-A. GRCh37 (hg19) VCF-style: chr2-210685285-G-A.
Other names: c.2213G>A, p.Gly738Glu (NM_032504.2, NM_182587.4); short protein forms G738E.
Identifiers: ClinVar variation 1028450 (VCV001028450.5), dbSNP rs867486666, ClinGen allele CA64669518.